The following is an entry in ClinVar:

ClinVar aggregate classification (germline): Uncertain significance (1 of 4 stars; one submission).

Allele frequency attached by ClinVar (database versions not stated): ExAC 0.00001; gnomAD 0.00004; gnomAD exomes 0.00004; TOPMed 0.00004; ESP Exome Variant Server 0.00008.
gnomAD v4.1: 66 of 1,613,938 alleles (0.0041%); highest among the groups gnomAD compares: Middle Eastern, 0.033%; no homozygotes.

Submission:

GeneDx
Classification: Uncertain significance. Last evaluated: 2023-04-25. Review status: criteria provided, single submitter. Criteria: GeneDx Variant Classification Process June 2021. Collection method: clinical testing. Allele origin: germline. Affected: yes.
Comment: In silico analysis supports that this missense variant does not alter protein structure/function; Has not been previously published as pathogenic or benign to our knowledge

NM_016233.2(PADI3):c.652G>A (p.Gly218Ser)

Gene: PADI3 (peptidyl arginine deiminase 3; plus strand). Cytogenetic location: 1p36.13.
Variant type: single nucleotide variant.
Coding change: c.652G>A on transcript NM_016233.2 (MANE Select); coding-DNA position 652, G replaced by A.
Protein change: p.Gly218Ser; replaces glycine 218 with serine.
Molecular consequence: missense variant.
Genome position (GRCh38, 1-based): chr1:17,267,962, G>A. VCF-style: chr1-17267962-G-A. GRCh37 (hg19) VCF-style: chr1-17594457-G-A.
Other names: short protein forms G218S.
Identifiers: ClinVar variation 2663501 (VCV002663501.1), dbSNP rs369350547, ClinGen allele CA639774.